The following is an entry in ClinVar:

ClinVar aggregate classification (germline): Uncertain significance (1 of 4 stars; one submission).

Conditions:
Hereditary sensory neuropathy-deafness-dementia syndrome. Also called: NEUROPATHY, HEREDITARY SENSORY, WITH HEARING LOSS AND DEMENTIA; Hereditary Sensory and Autonomic Neuropathy Type 1E (HSAN1E); HSN IE; Hereditary sensory neuropathy type IE. Identifiers: Orphanet 456318, MedGen C3279885, MONDO:0013584, OMIM 614116.

Allele frequency attached by ClinVar (database versions not stated): gnomAD exomes below 0.00001; gnomAD 0.00001; ExAC 0.00002.
gnomAD v4.1: 1 of 1,610,268 alleles (0.000062%); highest among the groups gnomAD compares: Non-Finnish European, 0.000085%; no homozygotes.

Submission:

Labcorp Genetics (formerly Invitae), Labcorp
Classification: Uncertain significance for Hereditary sensory neuropathy-deafness-dementia syndrome. Last evaluated: 2024-09-06. Review status: criteria provided, single submitter. Criteria: Invitae Variant Classification Sherloc (09022015). Collection method: clinical testing. Allele origin: germline.
Comment: This sequence change replaces serine, which is neutral and polar, with isoleucine, which is neutral and non-polar, at codon 1374 of the DNMT1 protein (p.Ser1374Ile). The frequency data for this variant in the population databases is considered unreliable, as metrics indicate poor data quality at this position in the gnomAD database. This variant has not been reported in the literature in individuals affected with DNMT1-related conditions. ClinVar contains an entry for this variant (Variation ID: 1519197). Invitae Evidence Modeling of protein sequence and biophysical properties (such as structural, functional, and spatial information, amino acid conservation, physicochemical variation, residue mobility, and thermodynamic stability) indicates that this missense variant is not expected to disrupt DNMT1 protein function with a negative predictive value of 80%. In summary, the available evidence is currently insufficient to determine the role of this variant in disease. Therefore, it has been classified as a Variant of Uncertain Significance.

NM_001130823.3(DNMT1):c.4121G>T (p.Ser1374Ile)

Gene: DNMT1 (DNA methyltransferase 1; minus strand). Cytogenetic location: 19p13.2.
Variant type: single nucleotide variant.
Coding change: c.4121G>T on transcript NM_001130823.3 (MANE Select); coding-DNA position 4121, G replaced by T.
Protein change: p.Ser1374Ile; replaces serine 1374 with isoleucine.
Molecular consequence: missense variant.
Genome position (GRCh38, 1-based): chr19:10,138,004, C>A on the plus strand (G>T on the coding strand, the complement: DNMT1 is on the minus strand). VCF-style: chr19-10138004-C-A. GRCh37 (hg19) VCF-style: chr19-10248680-C-A.
Other names: c.4073G>T, p.Ser1358Ile (NM_001318730.2, NM_001379.4); c.3758G>T, p.Ser1253Ile (NM_001318731.2); short protein forms S1358I, S1374I, S1253I.
Identifiers: ClinVar variation 1519197 (VCV001519197.8), dbSNP rs774538556, ClinGen allele CA9187577.